The following is an entry in ClinVar:

NM_000435.3(NOTCH3):c.617G>A (p.Cys206Tyr)

Gene: NOTCH3 (notch receptor 3; minus strand). Cytogenetic location: 19p13.12.
Variant type: single nucleotide variant.
Coding change: c.617G>A on transcript NM_000435.3 (MANE Select); coding-DNA position 617, G replaced by A.
Protein change: p.Cys206Tyr; replaces cysteine 206 with tyrosine.
Molecular consequence: missense variant.
Genome position (GRCh38, 1-based): chr19:15,192,022, C>T on the plus strand (G>A on the coding strand, the complement: NOTCH3 is on the minus strand). VCF-style: chr19-15192022-C-T. GRCh37 (hg19) VCF-style: chr19-15302833-C-T.
Other names: short protein forms C206Y.
Identifiers: ClinVar variation 2736837 (VCV002736837.4), dbSNP rs2046931673, ClinGen allele CA404533296.

ClinVar aggregate classification (germline): Pathogenic/Likely pathogenic. Review status: criteria provided, multiple submitters, no conflicts (2 of 4 stars). 2 submissions from 2 submitters: Pathogenic (1); Likely pathogenic (1). Last evaluated 2025-09-10.

Conditions:
Cerebral arteriopathy, autosomal dominant, with subcortical infarcts and leukoencephalopathy, type 1 (CADASIL1). Also called: CASIL; DEMENTIA, HEREDITARY MULTIINFARCT TYPE; Cerebral arteriopathy with subcortical infarcts and leukoencephalopathy 1; CADASIL 1. Identifiers: Orphanet 136, MedGen C4551768, MONDO:0000914, OMIM 125310.
Lateral meningocele syndrome (LMNS). Also called: NOTCH3-Related Lateral Meningocele Syndrome. Identifiers: Orphanet 2789, MedGen C1851710, MONDO:0007537, OMIM 130720.
Myofibromatosis, infantile, 2. Identifiers: Orphanet 2591, MedGen C3809084, MONDO:0014122, OMIM 615293.

Submissions (2):

Labcorp Genetics (formerly Invitae), Labcorp
Classification: Likely pathogenic. Last evaluated: 2025-09-10. Review status: criteria provided, single submitter. Criteria: Invitae Variant Classification Sherloc (09022015). Collection method: clinical testing. Allele origin: germline.
Comment: This sequence change replaces cysteine, which is neutral and slightly polar, with tyrosine, which is neutral and polar, at codon 206 of the NOTCH3 protein (p.Cys206Tyr). This variant is not present in population databases (gnomAD no frequency). This missense change has been observed in individuals with autosomal dominant cerebral arteriopathy with subcortical infarcts and leukoencephalopathy 1 (CADASIL1) (PMID: 19174371; internal data). ClinVar contains an entry for this variant (Variation ID: 2736837). Invitae Evidence Modeling of protein sequence and biophysical properties (such as structural, functional, and spatial information, amino acid conservation, physicochemical variation, residue mobility, and thermodynamic stability) indicates that this missense variant is expected to disrupt NOTCH3 protein function with a positive predictive value of 95%. In summary, the currently available evidence indicates that the variant is pathogenic, but additional data are needed to prove that conclusively. Therefore, this variant has been classified as Likely Pathogenic.

North West Genomic Laboratory Hub, Manchester University NHS Foundation Trust
Classification: Pathogenic for Cerebral arteriopathy, autosomal dominant, with subcortical infarcts and leukoencephalopathy, type 1; Myofibromatosis, infantile, 2; Lateral meningocele syndrome. Last evaluated: 2020-04-27. Review status: criteria provided, single submitter. Criteria: ACMG Guidelines, 2015. Collection method: clinical testing. Allele origin: germline. Affected: yes.
Comment: Criteria Codes: PS4_Supp PM1_Str PM2 PM5_Supp PP2 PP3

Literature cited by the submitters: PubMed 19174371 (cited by Labcorp Genetics (formerly Invitae), Labcorp and North West Genomic Laboratory Hub, Manchester University NHS Foundation Trust); PubMed 10371548 (cited by North West Genomic Laboratory Hub, Manchester University NHS Foundation Trust); PubMed 15714997 (cited by North West Genomic Laboratory Hub, Manchester University NHS Foundation Trust).